The following is an entry in ClinVar:

ClinVar aggregate classification (germline): Uncertain significance (1 of 4 stars; one submission).

Conditions:
Familial adenomatous polyposis 1 (FAP1). Also called: FAMILIAL ADENOMATOUS POLYPOSIS 1, ATTENUATED; POLYPOSIS, ADENOMATOUS INTESTINAL. Identifiers: MedGen C2713442, MONDO:0021056, OMIM 175100. Disease mechanism: loss of function.

Submission:

Labcorp Genetics (formerly Invitae), Labcorp
Classification: Uncertain significance for Familial adenomatous polyposis 1. Last evaluated: 2020-07-13. Review status: criteria provided, single submitter. Criteria: Invitae Variant Classification Sherloc (09022015). Collection method: clinical testing. Allele origin: germline.
Comment: This variant is not present in population databases (ExAC no frequency). This sequence change replaces threonine with serine at codon 1852 of the APC protein (p.Thr1852Ser). The threonine residue is highly conserved and there is a small physicochemical difference between threonine and serine. This variant has not been reported in the literature in individuals with APC-related conditions. Algorithms developed to predict the effect of missense changes on protein structure and function (SIFT, PolyPhen-2, Align-GVGD) all suggest that this variant is likely to be disruptive, but these predictions have not been confirmed by published functional studies and their clinical significance is uncertain. In summary, the available evidence is currently insufficient to determine the role of this variant in disease. Therefore, it has been classified as a Variant of Uncertain Significance.

NM_000038.6(APC):c.5555C>G (p.Thr1852Ser)

Gene: APC (APC regulator of Wnt signaling pathway; plus strand). Cytogenetic location: 5q22.2.
Variant type: single nucleotide variant.
Coding change: c.5555C>G on transcript NM_000038.6 (MANE Select); coding-DNA position 5555, C replaced by G.
Protein change: p.Thr1852Ser; replaces threonine 1852 with serine.
Molecular consequence: missense variant.
Genome position (GRCh38, 1-based): chr5:112,841,149, C>G. VCF-style: chr5-112841149-C-G. GRCh37 (hg19) VCF-style: chr5-112176846-C-G.
Other names: c.5177C>G, p.Thr1726Ser (NM_001354904.2); c.5075C>G, p.Thr1692Ser (NM_001354905.2); c.4706C>G, p.Thr1569Ser (NM_001354906.2); c.5555C>G, p.Thr1852Ser (NM_001127510.3, NM_001354895.2); c.5501C>G, p.Thr1834Ser (NM_001127511.3); c.5609C>G, p.Thr1870Ser (NM_001354896.2); c.5585C>G, p.Thr1862Ser (NM_001354897.2); c.5480C>G, p.Thr1827Ser (NM_001354898.2); and 5 more; short protein forms T1569S, T1692S, T1834S, T1870S, T1726S, T1751S, T1761S, T1793S.
Identifiers: ClinVar variation 1043793 (VCV001043793.10), dbSNP rs1765977939, ClinGen allele CA16033486.
Genomic context (GRCh38, chr5:112,841,149, plus strand): 5'-ATAGAGTCAGAGGAAGTTTTGCTTTTGATTCACCTCATCATTACACGCCTATTGAAGGAA[C>G]TCCTTACTGTTTTTCACGAAATGATTCTTTGAGTTCTCTAGATTTTGATGATGATGATGT-3'
Protein context (NP_000029.2, residues 1842-1862): SPHHYTPIEG[Thr1852Ser]PYCFSRNDSL